The following is an entry in ClinVar:

ClinVar aggregate classification (germline): Conflicting classifications of pathogenicity. Review status: criteria provided, conflicting classifications (1 of 4 stars). 3 submissions from 3 submitters: Uncertain significance (1); Likely benign (2). Last evaluated 2025-10-30.

Conditions:
Hereditary cancer-predisposing syndrome. Also called: Hereditary Cancer Syndrome; Hereditary neoplastic syndrome; Tumor predisposition; Neoplastic Syndromes, Hereditary. Identifiers: Orphanet 140162, MedGen C0027672, MeSH D009386, MONDO:0015356.

Submissions (3):

Labcorp Genetics (formerly Invitae), Labcorp
Classification: Likely benign. Last evaluated: 2025-10-30. Review status: criteria provided, single submitter. Criteria: Invitae Variant Classification Sherloc (09022015). Collection method: clinical testing. Allele origin: germline.

Ambry Genetics
Classification: Likely benign for Hereditary cancer-predisposing syndrome. Last evaluated: 2025-04-28. Review status: criteria provided, single submitter. Criteria: Ambry Variant Classification Scheme 2023. Collection method: clinical testing. Allele origin: germline.

Sema4
Classification: Uncertain significance for Hereditary cancer-predisposing syndrome. Last evaluated: 2022-01-19. Review status: criteria provided, single submitter. Criteria: Sema4 Curation Guidelines. Collection method: curation. Allele origin: germline.
Comment: The FH c.1109-4G>A variant has not been reported in the literature to our knowledge. It was not observed in the Genome Aggregation Database (PMID: 32461654). This variant has been reported in ClinVar (Variation ID 1080155). Algorithms developed to predict the effect of sequence changes on RNA splicing do not suggest negative effect, though these predictions have not been confirmed by functional studies. The evidence is insufficient to meet ACMG/AMP criteria for classifying the variant as benign or pathogenic. Thus, the clinical significance of this variant is currently uncertain.

NM_000143.4(FH):c.1109-4G>A

Gene: FH (fumarate hydratase; minus strand). Cytogenetic location: 1q43.
Variant type: single nucleotide variant.
Coding change: c.1109-4G>A on transcript NM_000143.4 (MANE Select); 4 bases into the intron before coding-DNA position 1109, G replaced by A.
Molecular consequence: intron variant.
Genome position (GRCh38, 1-based): chr1:241,502,574, C>T on the plus strand (G>A on the coding strand, the complement: FH is on the minus strand). VCF-style: chr1-241502574-C-T. GRCh37 (hg19) VCF-style: chr1-241665874-C-T.
Identifiers: ClinVar variation 1080155 (VCV001080155.11), dbSNP rs959933221, ClinGen allele CA40327752.
Genomic context (GRCh38, chr1:241,502,574, plus strand): 5'-CCATGACTTGGGCTGCAACCATGGTCATTGCTTCACACTGAGTAGGGTTCACCTTGCCTT[C>T]AAGAAAACCACCAATGACAGAGTAAAGACTAAATTTATGCAAATAATCAGGAGAATAAAG-3'